The following is an entry in ClinVar:

NC_000006.11:g.(129766967_129774132)_(129775434_129777479)del

Gene: LAMA2 (laminin subunit alpha 2; plus strand). Cytogenetic location: 6q22.33.
Variant type: Deletion.
Identifiers: ClinVar variation 3366827 (VCV003366827.1).

ClinVar aggregate classification (germline): Pathogenic (1 of 4 stars; one submission).

Conditions:
LAMA2-related muscular dystrophy (LAMA2-RD). Also called: Laminin alpha 2-related dystrophy. Identifiers: MedGen C5679788, MONDO:0100228.

Submission:

Women's Health and Genetics/Laboratory Corporation of America, LabCorp
Classification: Pathogenic for LAMA2-related muscular dystrophy. Last evaluated: 2024-08-13. Review status: criteria provided, single submitter. Criteria: LabCorp Variant Classification Summary - May 2015. Collection method: clinical testing. Allele origin: germline.
Comment: Variant summary: The variant involves the deletion of exons 46-47 in the LAMA2 gene. A presumed nomenclature of c.(6429+1_6430-1)_(6707+1_6708-1)del has been designated for the purposes of this classification. This Copy Number Variant (CNV) is expected to alter the reading frame and predicted to result in a truncation or absence of the encoded protein due to nonsense mediated decay (NMD). The variant was absent in 21694 control chromosomes. c.(6429+1_6430-1)_(6707+1_6708-1)del has been reported in the literature in at least one individual with unknown zygosity affected with congenital muscular dystrophy (Ge_2019). The following publication has been ascertained in the context of this evaluation (PMID: 31066047). No submitters have cited clinical-significance assessments for this variant to ClinVar. Based on the evidence outlined above, the variant was classified as pathogenic.

Literature cited by the submitters: PubMed 31066047.